The following is an entry in ClinVar:

ClinVar aggregate classification (germline): Uncertain significance (1 of 4 stars; one submission).

Conditions:
Gastrointestinal stromal tumor. Also called: Gastrointestinal stromal tumor, somatic; Gastrointestinal stroma tumor. Identifiers: Orphanet 44890, MedGen C0238198, MeSH D046152, MONDO:0011719, OMIM 606764, HP:0100723.

Submission:

Labcorp Genetics (formerly Invitae), Labcorp
Classification: Uncertain significance for Gastrointestinal stromal tumor. Last evaluated: 2020-04-10. Review status: criteria provided, single submitter. Criteria: Invitae Variant Classification Sherloc (09022015). Collection method: clinical testing. Allele origin: germline.
Comment: In summary, the available evidence is currently insufficient to determine the role of this variant in disease. Therefore, it has been classified as a Variant of Uncertain Significance. The current clinical and genetic evidence is not sufficient to establish whether loss-of-function variants in PDGFRA cause disease. This variant has not been reported in the literature in individuals with PDGFRA-related disease. This variant is not present in population databases (ExAC no frequency). This sequence change creates a premature translational stop signal (p.Cys450*) in the PDGFRA gene. It is expected to result in an absent or disrupted protein product.

NM_006206.6(PDGFRA):c.1350C>A (p.Cys450Ter)

Gene: PDGFRA (platelet derived growth factor receptor alpha; plus strand). Cytogenetic location: 4q12.
Variant type: single nucleotide variant.
Coding change: c.1350C>A on transcript NM_006206.6 (MANE Select); coding-DNA position 1350, C replaced by A.
Protein change: p.Cys450Ter; replaces cysteine 450 with a stop codon.
Molecular consequence: nonsense.
Genome position (GRCh38, 1-based): chr4:54,272,506, C>A. VCF-style: chr4-54272506-C-A. GRCh37 (hg19) VCF-style: chr4-55138673-C-A.
Other names: c.1350C>A, p.Cys450Ter (NM_001347827.2, NM_001347829.2); c.1425C>A, p.Cys475Ter (NM_001347828.2); c.1389C>A, p.Cys463Ter (NM_001347830.2); short protein forms C463*, C475*, C450*.
Identifiers: ClinVar variation 662970 (VCV000662970.9), dbSNP rs1577722696, ClinGen allele CA356892366.